The following is an entry in ClinVar:

NM_003002.4(SDHD):c.26C>T (p.Ala9Val)

Genes: SDHD (succinate dehydrogenase complex subunit D; plus strand), LOC126861339 (BRD4-independent group 4 enhancer GRCh37_chr11:111957035-111958234; plus strand). Cytogenetic location: 11q23.1.
Variant type: single nucleotide variant.
Coding change: c.26C>T on transcript NM_003002.4 (MANE Select); coding-DNA position 26, C replaced by T.
Protein change: p.Ala9Val; replaces alanine 9 with valine.
Molecular consequence: missense variant. On other transcripts: non-coding transcript variant (1).
Genome position (GRCh38, 1-based): chr11:112,086,933, C>T. VCF-style: chr11-112086933-C-T. GRCh37 (hg19) VCF-style: chr11-111957657-C-T.
Other names: c.26C>T, p.Ala9Val (NM_001276503.2, NM_001276504.2, NM_001276506.2); short protein forms A9V.
Identifiers: ClinVar variation 1384692 (VCV001384692.8), dbSNP rs1592777287, ClinGen allele CA382616682.

ClinVar aggregate classification (germline): Uncertain significance. Review status: criteria provided, multiple submitters, no conflicts (2 of 4 stars). 3 submissions from 3 submitters: Uncertain significance (3). Last evaluated 2025-06-23.

Conditions:
Carney-Stratakis syndrome. Also called: PARAGANGLIOMA AND GASTROINTESTINAL STROMAL TUMOR. Identifiers: Orphanet 97286, MedGen C1847319, MONDO:0011740, OMIM 606864.
Cowden syndrome 3 (CWS3). Identifiers: Orphanet 201, MedGen CN166604, MONDO:0014045.
Pheochromocytoma. Also called: MAX-Related Hereditary Paraganglioma-Pheochromocytoma Syndrome. Identifiers: Orphanet 29072, MedGen C0031511, MONDO:0008233, OMIM 171300, HP:0002666.
Paragangliomas with sensorineural hearing loss. Identifiers: MedGen C1868633.
Hereditary cancer-predisposing syndrome. Also called: Tumor predisposition; Hereditary Cancer Syndrome; Hereditary neoplastic syndrome; Neoplastic Syndromes, Hereditary. Identifiers: Orphanet 140162, MedGen C0027672, MeSH D009386, MONDO:0015356.
Hereditary pheochromocytoma and paraganglioma. Also called: Hereditary paragangliomas and pheochromocytomas; Hereditary Paraganglioma-Pheochromocytoma Syndromes; Hereditary pheochromocytoma-paraganglioma. Identifiers: Orphanet 29072, MedGen C4274332, MONDO:0017366.

Submissions (3):

Color Diagnostics, LLC DBA Color Health
Classification: Uncertain significance for Hereditary pheochromocytoma and paraganglioma. Last evaluated: 2025-06-23. Review status: criteria provided, single submitter. Criteria: ACMG Guidelines, 2015. Collection method: clinical testing. Allele origin: germline.
Comment: This missense variant replaces alanine with valine at codon 9 of the SDHD protein. Computational prediction is inconclusive regarding the impact of this variant on protein structure and function. To our knowledge, functional studies have not been reported for this variant. This variant has not been reported in individuals affected with SDHD-related disorders in the literature. This variant has not been identified in the general population by the Genome Aggregation Database (gnomAD). The available evidence is insufficient to determine the role of this variant in disease conclusively. Therefore, this variant is classified as a Variant of Uncertain Significance.

Labcorp Genetics (formerly Invitae), Labcorp
Classification: Uncertain significance for Carney-Stratakis syndrome; Paragangliomas with sensorineural hearing loss; Pheochromocytoma; Cowden syndrome 3. Last evaluated: 2023-10-10. Review status: criteria provided, single submitter. Criteria: Invitae Variant Classification Sherloc (09022015). Collection method: clinical testing. Allele origin: germline.
Comment: This sequence change replaces alanine, which is neutral and non-polar, with valine, which is neutral and non-polar, at codon 9 of the SDHD protein (p.Ala9Val). This variant is not present in population databases (gnomAD no frequency). This variant has not been reported in the literature in individuals affected with SDHD-related conditions. ClinVar contains an entry for this variant (Variation ID: 1384692). Advanced modeling of protein sequence and biophysical properties (such as structural, functional, and spatial information, amino acid conservation, physicochemical variation, residue mobility, and thermodynamic stability) performed at Invitae indicates that this missense variant is not expected to disrupt SDHD protein function. In summary, the available evidence is currently insufficient to determine the role of this variant in disease. Therefore, it has been classified as a Variant of Uncertain Significance.

Sema4
Classification: Uncertain significance for Hereditary cancer-predisposing syndrome. Last evaluated: 2021-07-22. Review status: criteria provided, single submitter. Criteria: Sema4 Curation Guidelines. Collection method: curation. Allele origin: germline.
Comment: The SDHD c.26C>T (p.A9V) variant has not been reported in the literature to our knowledge. It was not observed in the large and broad cohorts of the Genome Aggregation Database and has not been reported in ClinVar. Functional studies have not been performed, and in silico predictions of the variant's effect on protein function are inconclusive. The evidence is insufficient to meet ACMG/AMP criteria for classifying the variant as benign or pathogenic. Thus, the clinical significance of this variant is currently uncertain.